The following is an entry in ClinVar:

NM_052988.5(CDK10):c.893G>A (p.Arg298His)

Gene: CDK10 (cyclin dependent kinase 10; plus strand). Cytogenetic location: 16q24.3.
Variant type: single nucleotide variant.
Coding change: c.893G>A on transcript NM_052988.5 (MANE Select); coding-DNA position 893, G replaced by A.
Protein change: p.Arg298His; replaces arginine 298 with histidine.
Molecular consequence: missense variant. On other transcripts: non-coding transcript variant (2).
Genome position (GRCh38, 1-based): chr16:89,695,031, G>A. VCF-style: chr16-89695031-G-A. GRCh37 (hg19) VCF-style: chr16-89761439-G-A.
Other names: c.680G>A, p.Arg227His (NM_001098533.3, NM_001160367.2, NM_052987.4); short protein forms R227H, R298H.
Identifiers: ClinVar variation 3371768 (VCV003371768.1).
Genomic context (GRCh38, chr16:89,695,031, plus strand): 5'-GGAAGCAGCCCTACAACAACCTGAAGCACAAGTTCCCATGGCTGTCGGAGGCCGGGCTGC[G>A]CCTGCTGCACTTCCTGTTCATGTACGACCCTAAGAAAAGGTGCTGATCTCTGCACGGGGG-3'
Protein context (NP_443714.3, residues 288-308): KFPWLSEAGL[Arg298His]LLHFLFMYDP

ClinVar aggregate classification (germline): Uncertain significance (1 of 4 stars; one submission).

gnomAD v4.1: 31 of 1,613,072 alleles (0.0019%); highest among the groups gnomAD compares: East Asian, 0.0045%; no homozygotes.

Submission:

GeneDx
Classification: Uncertain significance. Last evaluated: 2024-04-12. Review status: criteria provided, single submitter. Criteria: GeneDx Variant Classification Process June 2021. Collection method: clinical testing. Allele origin: germline. Affected: yes.
Comment: In silico analysis supports that this missense variant has a deleterious effect on protein structure/function; Has not been previously published as pathogenic or benign to our knowledge